The following is an entry in ClinVar:

NM_000257.4(MYH7):c.366T>C (p.Cys122=)

Gene: MYH7 (myosin heavy chain 7; minus strand). Cytogenetic location: 14q11.2.
Variant type: single nucleotide variant.
Coding change: c.366T>C on transcript NM_000257.4 (MANE Select); coding-DNA position 366, T replaced by C.
Protein change: p.Cys122=; no amino-acid change (cysteine 122 retained).
Molecular consequence: synonymous variant.
Genome position (GRCh38, 1-based): chr14:23,432,775, A>G on the plus strand (T>C on the coding strand, the complement: MYH7 is on the minus strand). VCF-style: chr14-23432775-A-G. GRCh37 (hg19) VCF-style: chr14-23901984-A-G.
Identifiers: ClinVar variation 525120 (VCV000525120.12), dbSNP rs1273010718, ClinGen allele CA485626514.

ClinVar aggregate classification (germline): Likely benign. Review status: criteria provided, multiple submitters, no conflicts (2 of 4 stars). 3 submissions from 3 submitters: Likely benign (3). Last evaluated 2026-04-14.

Conditions:
Cardiovascular phenotype. Identifiers: MedGen CN230736.
Cardiomyopathy (CMYO). Also called: Cardiomyopathies. Identifiers: Orphanet 167848, MedGen C0878544, MONDO:0004994, HP:0001638. Inheritance: Various modes of inheritance.
Hypertrophic cardiomyopathy. Also called: HYPERTROPHIC MYOCARDIOPATHY. Identifiers: Orphanet 217569, MedGen C0007194, MeSH D002312, MONDO:0005045, HP:0001639.

Allele frequency attached by ClinVar (database versions not stated): gnomAD exomes below 0.00001; gnomAD 0.00003.

Submissions (3):

Ambry Genetics
Classification: Likely benign for Cardiovascular phenotype. Last evaluated: 2026-04-14. Review status: criteria provided, single submitter. Criteria: Ambry Variant Classification Scheme 2023. Collection method: clinical testing. Allele origin: germline.

Labcorp Genetics (formerly Invitae), Labcorp
Classification: Likely benign for Hypertrophic cardiomyopathy. Last evaluated: 2025-06-03. Review status: criteria provided, single submitter. Criteria: Invitae Variant Classification Sherloc (09022015). Collection method: clinical testing. Allele origin: germline.

All of Us Research Program, National Institutes of Health
Classification: Likely benign for Cardiomyopathy. Last evaluated: 2023-10-02. Review status: criteria provided, single submitter. Criteria: ACMG Guidelines, 2015. Collection method: clinical testing. Allele origin: germline. Inheritance: Autosomal dominant inheritance. Observed: 3 variant alleles, 3 heterozygotes.
Comment: This study involves interpretation of variants in research participants for the purpose of population health screening. Participant phenotype was not available at the time of variant classification. Additional details can be found in publication PMID: 35346344, PMCID: PMC8962531